The following is an entry in ClinVar:

NM_001001290.2(SLC2A9):c.21C>T (p.Asp7=)

Genes: SLC2A9 (solute carrier family 2 member 9; minus strand), SLC2A9-AS3 (SLC2A9 antisense RNA 3; plus strand). Cytogenetic location: 4p16.1.
Variant type: single nucleotide variant.
Coding change: c.21C>T on transcript NM_001001290.2; coding-DNA position 21, C replaced by T.
Protein change: p.Asp7=; no amino-acid change (aspartic acid 7 retained).
Molecular consequence: synonymous variant.
Genome position (GRCh38, 1-based): chr4:10,025,946, G>A on the plus strand (C>T on the coding strand, the complement: SLC2A9 is on the minus strand). VCF-style: chr4-10025946-G-A. GRCh37 (hg19) VCF-style: chr4-10027570-G-A.
Identifiers: ClinVar variation 2654664 (VCV002654664.23), dbSNP rs144215444, ClinGen allele CA2857408.

ClinVar aggregate classification (germline): Likely benign. Review status: criteria provided, single submitter (1 of 4 stars). 2 submissions from 2 submitters: Likely benign (1). 1 of the submissions does not count toward it. Last evaluated 2025-02-01.

Conditions:
SLC2A9-related disorder. Also called: SLC2A9-related condition.

Allele frequency attached by ClinVar (database versions not stated): 1000 Genomes Project 0.00040; TOPMed 0.00251; ESP Exome Variant Server 0.00277; 1000 Genomes Project 30x 0.00047; ExAC 0.00268; gnomAD 0.00234; gnomAD exomes 0.00334.
gnomAD v4.1: 5,197 of 1,613,744 alleles (0.32%); highest among the groups gnomAD compares: Non-Finnish European, 0.4%; 5 homozygotes.

Submissions (2):

CeGaT Center for Human Genetics Tuebingen
Classification: Likely benign. Last evaluated: 2025-02-01. Review status: criteria provided, single submitter. Criteria: CeGaT Center For Human Genetics Tuebingen Variant Classification Criteria Version 2. Collection method: clinical testing. Allele origin: germline. Affected: yes. Observed: 2 variant alleles.
Comment: SLC2A9: BP4, BP7

PreventionGenetics, part of Exact Sciences
Classification: Likely benign for SLC2A9-related condition. Last evaluated: 2019-10-31. Review status: no assertion criteria provided. Collection method: clinical testing. Allele origin: germline. Not counted in ClinVar's aggregate classification.
Comment: This variant is classified as likely benign based on ACMG/AMP sequence variant interpretation guidelines (Richards et al. 2015 PMID: 25741868, with internal and published modifications).